The following is an entry in ClinVar:

NM_000465.4(BARD1):c.315T>A (p.Ile105=)

Gene: BARD1 (BRCA1 associated RING domain 1; minus strand). Cytogenetic location: 2q35.
Variant type: single nucleotide variant.
Coding change: c.315T>A on transcript NM_000465.4 (MANE Select); coding-DNA position 315, T replaced by A.
Protein change: p.Ile105=; no amino-acid change (isoleucine 105 retained).
Molecular consequence: synonymous variant. On other transcripts: non-coding transcript variant (1), intron variant (2).
Genome position (GRCh38, 1-based): chr2:214,792,346, A>T on the plus strand (T>A on the coding strand, the complement: BARD1 is on the minus strand). VCF-style: chr2-214792346-A-T. GRCh37 (hg19) VCF-style: chr2-215657070-A-T.
Other names: c.315T>A (NM_000465.2); c.258T>A, p.Ile86= (NM_001282543.2); c.315T>A, p.Ile105= (NM_001282549.2); c.158+17066T>A (NM_001282548.2); c.215+4715T>A (NM_001282545.2).
Identifiers: ClinVar variation 1948686 (VCV001948686.7), dbSNP rs1695557391, ClinGen allele CA431141720.

ClinVar aggregate classification (germline): Benign/Likely benign. Review status: criteria provided, multiple submitters, no conflicts (2 of 4 stars). 3 submissions from 3 submitters: Benign (1); Likely benign (2). Last evaluated 2024-07-19.

Conditions:
Hereditary cancer-predisposing syndrome. Also called: Hereditary neoplastic syndrome; Tumor predisposition; Hereditary Cancer Syndrome; Neoplastic Syndromes, Hereditary. Identifiers: Orphanet 140162, MedGen C0027672, MeSH D009386, MONDO:0015356.
Familial cancer of breast. Also called: BREAST CANCER, FAMILIAL; Hereditary breast cancer; hereditary breast carcinoma. Identifiers: Orphanet 227535, MedGen C0346153, MONDO:0016419, OMIM 114480. Disease mechanism: loss of function.

Allele frequency attached by ClinVar (database versions not stated): gnomAD exomes below 0.00001.
gnomAD v4.1: 1 of 1,613,432 alleles (0.000062%); highest among the groups gnomAD compares: East Asian, 0.0022%; no homozygotes.

Submissions (3):

Myriad Genetics, Inc.
Classification: Benign for Familial cancer of breast. Last evaluated: 2024-07-19. Review status: criteria provided, single submitter. Criteria: Myriad Autosomal Dominant, Autosomal Recessive and X-Linked Classification Criteria (2023). Collection method: clinical testing. Allele origin: unknown.
Comment: This variant is considered benign. This variant is a silent/synonymous amino acid change and it is not expected to impact splicing.

Ambry Genetics
Classification: Likely benign for Hereditary cancer-predisposing syndrome. Last evaluated: 2023-10-25. Review status: criteria provided, single submitter. Criteria: Ambry Variant Classification Scheme 2023. Collection method: clinical testing. Allele origin: germline.

Labcorp Genetics (formerly Invitae), Labcorp
Classification: Likely benign for Familial cancer of breast. Last evaluated: 2022-08-08. Review status: criteria provided, single submitter. Criteria: Invitae Variant Classification Sherloc (09022015). Collection method: clinical testing. Allele origin: germline.